The following is an entry in ClinVar:

NM_012281.3(KCND2):c.1825G>A (p.Glu609Lys)

Gene: KCND2 (potassium voltage-gated channel subfamily D member 2; plus strand). Cytogenetic location: 7q31.31.
Variant type: single nucleotide variant.
Coding change: c.1825G>A on transcript NM_012281.3 (MANE Select); coding-DNA position 1825, G replaced by A.
Protein change: p.Glu609Lys; replaces glutamic acid 609 with lysine.
Molecular consequence: missense variant.
Genome position (GRCh38, 1-based): chr7:120,747,790, G>A. VCF-style: chr7-120747790-G-A. GRCh37 (hg19) VCF-style: chr7-120387844-G-A.
Other names: short protein forms E609K.
Identifiers: ClinVar variation 4795424 (VCV004795424.1).

ClinVar aggregate classification (germline): Uncertain significance (1 of 4 stars; one submission).

Submission:

GeneDx
Classification: Uncertain significance. Last evaluated: 2025-08-15. Review status: criteria provided, single submitter. Criteria: GeneDx Variant Classification Process June 2021. Collection method: clinical testing. Allele origin: germline. Affected: yes.
Comment: Not observed at significant frequency in large population cohorts (gnomAD); In silico analysis suggests that this missense variant does not alter protein structure/function; Has not been previously published as pathogenic or benign to our knowledge